The following is an entry in ClinVar:

ClinVar aggregate classification (germline): Uncertain significance (1 of 4 stars; one submission).

Conditions:
Ullrich congenital muscular dystrophy 2 (UCMD2). Identifiers: Orphanet 75840, MedGen C4225314, MONDO:0014654, OMIM 616470.
Bethlem myopathy 2 (BTHLM2). Identifiers: Orphanet 536516, Orphanet 610, MedGen C4225313, MONDO:0034022, OMIM 616471.

Submission:

Labcorp Genetics (formerly Invitae), Labcorp
Classification: Uncertain significance for Bethlem myopathy 2; Ullrich congenital muscular dystrophy 2. Last evaluated: 2026-01-19. Review status: criteria provided, single submitter. Criteria: Invitae Variant Classification Sherloc (09022015). Collection method: clinical testing. Allele origin: germline.
Comment: This sequence change replaces isoleucine, which is neutral and non-polar, with leucine, which is neutral and non-polar, at codon 2580 of the COL12A1 protein (p.Ile2580Leu). This variant is not present in population databases (gnomAD no frequency). This variant has not been reported in the literature in individuals affected with COL12A1-related conditions. ClinVar contains an entry for this variant (Variation ID: 2167536). Invitae Evidence Modeling of protein sequence and biophysical properties (such as structural, functional, and spatial information, amino acid conservation, physicochemical variation, residue mobility, and thermodynamic stability) indicates that this missense variant is not expected to disrupt COL12A1 protein function with a negative predictive value of 80%. In summary, the available evidence is currently insufficient to determine the role of this variant in disease. Therefore, it has been classified as a Variant of Uncertain Significance.

NM_004370.6(COL12A1):c.7738A>C (p.Ile2580Leu)

Gene: COL12A1 (collagen type XII alpha 1 chain; minus strand). Cytogenetic location: 6q13.
Variant type: single nucleotide variant.
Coding change: c.7738A>C on transcript NM_004370.6 (MANE Select); coding-DNA position 7738, A replaced by C.
Protein change: p.Ile2580Leu; replaces isoleucine 2580 with leucine.
Molecular consequence: missense variant.
Genome position (GRCh38, 1-based): chr6:75,113,704, T>G on the plus strand (A>C on the coding strand, the complement: COL12A1 is on the minus strand). VCF-style: chr6-75113704-T-G. GRCh37 (hg19) VCF-style: chr6-75823420-T-G.
Other names: c.4246A>C, p.Ile1416Leu (NM_080645.3); short protein forms I2580L, I1416L.
Identifiers: ClinVar variation 2167536 (VCV002167536.4), dbSNP rs781269301, ClinGen allele CA364744414.